The following is an entry in ClinVar:

NM_002691.4(POLD1):c.1687-18C>T

Gene: POLD1 (DNA polymerase delta 1, catalytic subunit; plus strand). Cytogenetic location: 19q13.33.
Variant type: single nucleotide variant.
Coding change: c.1687-18C>T on transcript NM_002691.4 (MANE Select); 18 bases into the intron before coding-DNA position 1687, C replaced by T.
Molecular consequence: intron variant.
Genome position (GRCh38, 1-based): chr19:50,407,309, C>T. VCF-style: chr19-50407309-C-T. GRCh37 (hg19) VCF-style: chr19-50910566-C-T.
Other names: c.1687-18C>T (LRG_785t2, LRG_785t1, NM_001256849.1 and 1 more transcripts).
Identifiers: ClinVar variation 385311 (VCV000385311.9), dbSNP rs564961733, ClinGen allele CA9596229.
Genomic context (GRCh38, chr19:50,407,309, plus strand): 5'-GATGCACTTTTTCTCCCCACTCCCAATCCGCACGGCCCCACCTATACCCACTCCATTTCC[C>T]ACCTTCTCCCCTCCCAGGCCATGCACGAGGGGCTGCTGATGCCCGTGGTGAAGTCAGAGG-3'

ClinVar aggregate classification (germline): Benign/Likely benign. Review status: criteria provided, multiple submitters, no conflicts (2 of 4 stars). 2 submissions from 2 submitters: Benign (1); Likely benign (1). Last evaluated 2026-02-02.

Conditions:
POLD1-related polyposis and colorectal cancer syndrome (CRCS10). Also called: Colorectal cancer, susceptibility to, 10; Colorectal cancer 10; COLORECTAL CANCER, SUSCEPTIBILITY TO, ON CHROMOSOME 19q. Identifiers: Orphanet 220460, MedGen C2675481, MONDO:0012953, OMIM 612591.

Allele frequency attached by ClinVar (database versions not stated): TOPMed below 0.00001; gnomAD 0.00002; gnomAD exomes 0.00007 and 0.00015; 1000 Genomes Project 30x 0.00016; 1000 Genomes Project 0.00020; ExAC 0.00021.
gnomAD v4.1: 103 of 1,605,406 alleles (0.0064%); highest among the groups gnomAD compares: South Asian, 0.093%; 3 homozygotes.

Submissions (2):

Labcorp Genetics (formerly Invitae), Labcorp
Classification: Benign for POLD1-related polyposis and colorectal cancer syndrome. Last evaluated: 2026-02-02. Review status: criteria provided, single submitter. Criteria: Invitae Variant Classification Sherloc (09022015). Collection method: clinical testing. Allele origin: germline.

GeneDx
Classification: Likely benign. Last evaluated: 2017-06-06. Review status: criteria provided, single submitter. Criteria: GeneDx Variant Classification (06012015). Collection method: clinical testing. Allele origin: germline. Affected: yes.
Comment: This variant is considered likely benign or benign based on one or more of the following criteria: it is a conservative change, it occurs at a poorly conserved position in the protein, it is predicted to be benign by multiple in silico algorithms, and/or has population frequency not consistent with disease.